The following is an entry in ClinVar:

ClinVar aggregate classification (germline): Likely pathogenic. Review status: criteria provided, single submitter (1 of 4 stars). 3 submissions from 3 submitters: Likely pathogenic (1). 2 of the submissions do not count toward it.

Conditions:
Charcot-Marie-Tooth disease type 2A2. Also called: HEREDITARY MOTOR AND SENSORY NEUROPATHY IIA2; HMSN IIA2; CHARCOT-MARIE-TOOTH DISEASE, AXONAL, TYPE 2A2; CHARCOT-MARIE-TOOTH DISEASE, NEURONAL, TYPE 2A2; Charcot-Marie-Tooth Neuropathy Type 2A2; CHARCOT-MARIE-TOOTH DISEASE, AXONAL, AUTOSOMAL DOMINANT, TYPE 2A2A. Identifiers: Orphanet 99947, MedGen C4721887, MONDO:0012231, OMIM 609260.
Charcot-Marie-Tooth disease axonal type 2Q. Also called: CHARCOT-MARIE-TOOTH DISEASE, AXONAL, AUTOSOMAL DOMINANT, TYPE 2Q; CHARCOT-MARIE-TOOTH NEUROPATHY, TYPE 2Q. Identifiers: Orphanet 329258, MedGen C3554366, MONDO:0014012, OMIM 615025.

Allele frequency attached by ClinVar (database versions not stated): TOPMed 0.00001.
gnomAD v4.1: 5 of 1,614,212 alleles (0.00031%); highest among the groups gnomAD compares: South Asian, 0.0033%; no homozygotes.

Submissions (3):

Lifecell International Pvt. Ltd
Classification: Likely pathogenic for Charcot-Marie-Tooth disease axonal type 2Q. Review status: criteria provided, single submitter. Criteria: ACMG Guidelines, 2015. Collection method: clinical testing. Allele origin: germline. Inheritance: Autosomal dominant inheritance. Affected: yes. Observed: 1 heterozygote.
Comment: A Heterozygous Nonsense variant c.1455T>G in Exon 8 of the DHTKD1 gene that results in the amino acid substitution p.Tyr485* was identified. The observed variant is novel in gnomAD exomes and genomes, respectively. The severity of the impact of this variant on the protein is high, based on the effect of the protein and REVEL score . Rare Exome Variant Ensemble Learner (REVEL) is an ensembl method for predicting the pathogenicity of missense variants based on a combination of scores from 13 individual tools: MutPred, FATHMM v2.3, VEST 3.0, PolyPhen-2, SIFT, PROVEAN, MutationAssessor, MutationTaster, LRT, GERP++, SiPhy, phyloP, and phastCons. The REVEL score for an individual missense variant can range from 0 to 1, with higher scores reflecting greater likelihood that the variant is disease-causing. ClinVar has also classified this variant as Pathogenic (ClinVar ID: 39566). Based on the above evidence this variant has been classified as Likely Pathogenic according to the ACMG guidelines.

Inherited Neuropathy Consortium Ii, University Of Miami
Classification: Uncertain significance for Charcot-Marie-Tooth disease type 2A2. Last evaluated: 2016-01-06. Review status: no assertion criteria provided. Collection method: literature only. Allele origin: germline. Affected: yes. Not counted in ClinVar's aggregate classification.

OMIM
Classification: Pathogenic for CHARCOT-MARIE-TOOTH DISEASE, AXONAL, TYPE 2Q (1 family). Last evaluated: 2012-12-07. Review status: no assertion criteria provided. Collection method: literature only. Allele origin: germline. Not counted in ClinVar's aggregate classification.

Literature cited by the submitters: PubMed 23141294 (cited by Inherited Neuropathy Consortium Ii, University Of Miami and OMIM).

NM_018706.7(DHTKD1):c.1455T>G (p.Tyr485Ter)

Gene: DHTKD1 (dehydrogenase E1 and transketolase domain containing 1; plus strand). Cytogenetic location: 10p14.
Variant type: single nucleotide variant.
Coding change: c.1455T>G on transcript NM_018706.7 (MANE Select); coding-DNA position 1455, T replaced by G.
Protein change: p.Tyr485Ter; replaces tyrosine 485 with a stop codon.
Molecular consequence: nonsense.
Genome position (GRCh38, 1-based): chr10:12,097,780, T>G. VCF-style: chr10-12097780-T-G. GRCh37 (hg19) VCF-style: chr10-12139779-T-G.
Other names: short protein forms Y485*.
Identifiers: ClinVar variation 39566 (VCV000039566.5), dbSNP rs606231237, ClinGen allele CA130364.